The following is an entry in ClinVar:

ClinVar aggregate classification (germline): Pathogenic (3 of 4 stars; one submission).

Conditions:
Breast-ovarian cancer, familial, susceptibility to, 2 (BROVCA2). Also called: BRCA2 Hereditary Breast and Ovarian Cancer. Identifiers: Orphanet 145, MedGen C2675520, MONDO:0012933, OMIM 612555. Disease mechanism: loss of function.

Submission:

Evidence-based Network for the Interpretation of Germline Mutant Alleles (ENIGMA)
Classification: Pathogenic for Breast-ovarian cancer, familial, susceptibility to, 2. Last evaluated: 2016-04-22. Review status: reviewed by expert panel. Criteria: ENIGMA BRCA1/2 Classification Criteria (2015). Collection method: curation. Allele origin: germline.
Comment: Variant allele predicted to encode a truncated non-functional protein.

NC_000013.11:g.32338746_32338748delinsTT

Gene: BRCA2 (BRCA2 DNA repair associated; plus strand). Cytogenetic location: 13q13.1.
Variant type: Indel.
Genome position: GRCh38 VCF-style: chr13-32338746-CTG-TT. GRCh37 (hg19) VCF-style: chr13-32912883-CTG-TT.
Other names: 4619delinsTT; c.4391_4393delinsTT, p.Ser1464fs (LRG_293t1).
Identifiers: ClinVar variation 236278 (VCV000236278.2), dbSNP rs878853299, ClinGen allele CA10581587.